The following is an entry in ClinVar:

NM_016343.4(CENPF):c.4957C>T (p.Arg1653Trp)

Gene: CENPF (centromere protein F; plus strand). Cytogenetic location: 1q41.
Variant type: single nucleotide variant.
Coding change: c.4957C>T on transcript NM_016343.4 (MANE Select); coding-DNA position 4957, C replaced by T.
Protein change: p.Arg1653Trp; replaces arginine 1653 with tryptophan.
Molecular consequence: missense variant.
Genome position (GRCh38, 1-based): chr1:214,643,295, C>T. VCF-style: chr1-214643295-C-T. GRCh37 (hg19) VCF-style: chr1-214816638-C-T.
Other names: short protein forms R1653W.
Identifiers: ClinVar variation 4225638 (VCV004225638.5).
Genomic context (GRCh38, chr1:214,643,295, plus strand): 5'-CAACTGTCACTTGAGCTGGAAGTAGCACGACTCCAGCTACAAGGTCTGGACTTAAGTTCT[C>T]GGTCTTTGCTTGGCATCGACACAGAAGATGTAAGTACCTGGGATTTAAATGCCATTTCTC-3'
Protein context (NP_057427.3, residues 1643-1663): LQLQGLDLSS[Arg1653Trp]SLLGIDTEDA

ClinVar aggregate classification (germline): Uncertain significance. Review status: criteria provided, multiple submitters, no conflicts (2 of 4 stars). 2 submissions from 2 submitters: Uncertain significance (2). Last evaluated 2026-03-01.

Conditions:
Inborn genetic diseases. Identifiers: MedGen C0950123, MeSH D030342.

gnomAD v4.1: 12 of 1,509,794 alleles (0.00079%); highest among the groups gnomAD compares: Admixed American, 0.0048%; no homozygotes.

Submissions (2):

CeGaT Center for Human Genetics Tuebingen
Classification: Uncertain significance. Last evaluated: 2026-03-01. Review status: criteria provided, single submitter. Criteria: CeGaT Center For Human Genetics Tuebingen Variant Classification Criteria Version 2. Collection method: clinical testing. Allele origin: germline. Affected: yes. Observed: 1 variant allele.
Comment: CENPF: PM2, BP4

Ambry Genetics
Classification: Uncertain significance for Inborn genetic diseases. Last evaluated: 2025-08-26. Review status: criteria provided, single submitter. Criteria: Ambry Variant Classification Scheme 2023. Collection method: clinical testing. Allele origin: germline.